The following is an entry in ClinVar:

ClinVar aggregate classification (germline): Uncertain significance (1 of 4 stars; one submission).

gnomAD v4.1: 3 of 1,612,980 alleles (0.00019%); highest among the groups gnomAD compares: Admixed American, 0.0017%; no homozygotes.

Submission:

Labcorp Genetics (formerly Invitae), Labcorp
Classification: Uncertain significance. Last evaluated: 2025-02-15. Review status: criteria provided, single submitter. Criteria: Invitae Variant Classification Sherloc (09022015). Collection method: clinical testing. Allele origin: germline.
Comment: This sequence change replaces valine, which is neutral and non-polar, with alanine, which is neutral and non-polar, at codon 441 of the RINT1 protein (p.Val441Ala). This variant is present in population databases (no rsID available, gnomAD 0.0009%). This variant has not been reported in the literature in individuals affected with RINT1-related conditions. An algorithm developed to predict the effect of missense changes on protein structure and function (PolyPhen-2) suggests that this variant is likely to be disruptive. In summary, the available evidence is currently insufficient to determine the role of this variant in disease. Therefore, it has been classified as a Variant of Uncertain Significance.

NM_021930.6(RINT1):c.1322T>C (p.Val441Ala)

Gene: RINT1 (RAD50 interactor 1; plus strand). Cytogenetic location: 7q22.3.
Variant type: single nucleotide variant.
Coding change: c.1322T>C on transcript NM_021930.6 (MANE Select); coding-DNA position 1322, T replaced by C.
Protein change: p.Val441Ala; replaces valine 441 with alanine.
Molecular consequence: missense variant. On other transcripts: non-coding transcript variant (1).
Genome position (GRCh38, 1-based): chr7:105,550,475, T>C. VCF-style: chr7-105550475-T-C. GRCh37 (hg19) VCF-style: chr7-105190922-T-C.
Other names: c.1088T>C, p.Val363Ala (NM_001346599.2); c.299T>C, p.Val100Ala (NM_001346600.2, NM_001346603.2); c.398T>C, p.Val133Ala (NM_001346601.2); short protein forms V100A, V133A, V363A, V441A.
Identifiers: ClinVar variation 4812162 (VCV004812162.1).